The following is an entry in ClinVar:

ClinVar aggregate classification (germline): Benign. Review status: criteria provided, multiple submitters, no conflicts (2 of 4 stars). 2 submissions from 2 submitters: Benign (2). Last evaluated 2024-01-24.

Allele frequency attached by ClinVar (database versions not stated): TOPMed 0.61503; ESP Exome Variant Server 0.57201; ExAC 0.54177; 1000 Genomes Project 30x 0.72216; 1000 Genomes Project 0.72291.

Submissions (2):

Unidad de Genómica Garrahan, Hospital de Pediatría Garrahan
Classification: Benign. Last evaluated: 2024-01-24. Review status: criteria provided, single submitter. Criteria: ACMG Guidelines, 2015. Collection method: clinical testing. Allele origin: germline. Affected: no. Observed: 71 variant alleles.
Comment: This variant is classified as Benign based on local population frequency. This variant was detected in 75% of patients studied by a panel of primary immunodeficiencies. Number of patients: 71. Only high quality variants are reported.

Mayo Clinic Laboratories, Mayo Clinic
Classification: Benign. Last evaluated: 2022-09-06. Review status: criteria provided, single submitter. Criteria: ACMG Guidelines, 2015. Collection method: clinical testing. Allele origin: germline. Observed: 2 variant alleles.

NM_138636.5(TLR8):c.1953G>C (p.Leu651=)

Genes: TLR8 (toll like receptor 8; plus strand), TLR8-AS1 (TLR8 antisense RNA 1; minus strand). Cytogenetic location: Xp22.2.
Variant type: single nucleotide variant.
Coding change: c.1953G>C on transcript NM_138636.5 (MANE Select); coding-DNA position 1953, G replaced by C.
Protein change: p.Leu651=; no amino-acid change (leucine 651 retained).
Molecular consequence: synonymous variant.
Genome position (GRCh38, 1-based): chrX:12,920,993, G>C. VCF-style: chrX-12920993-G-C. GRCh37 (hg19) VCF-style: chrX-12939112-G-C.
Other names: p.Leu651=; c.2007G>C, p.Leu669= (NM_016610.4).
Identifiers: ClinVar variation 2687998 (VCV002687998.3), dbSNP rs2407992, ClinGen allele CA10350324.